The following is an entry in ClinVar:

NM_152866.3(MS4A1):c.853G>A (p.Asp285Asn)

Gene: MS4A1 (membrane spanning 4-domains A1; plus strand). Cytogenetic location: 11q12.2.
Variant type: single nucleotide variant.
Coding change: c.853G>A on transcript NM_152866.3 (MANE Select); coding-DNA position 853, G replaced by A.
Protein change: p.Asp285Asn; replaces aspartic acid 285 with asparagine.
Molecular consequence: missense variant.
Genome position (GRCh38, 1-based): chr11:60,468,427, G>A. VCF-style: chr11-60468427-G-A. GRCh37 (hg19) VCF-style: chr11-60235900-G-A.
Other names: c.853G>A, p.Asp285Asn (NM_021950.4, NM_152867.2); c.853G>A (NM_152866.2); short protein forms D285N.
Identifiers: ClinVar variation 1359155 (VCV001359155.7), dbSNP rs147927720, ClinGen allele CA6025097.

ClinVar aggregate classification (germline): Uncertain significance. Review status: criteria provided, multiple submitters, no conflicts (2 of 4 stars). 2 submissions from 2 submitters: Uncertain significance (2). Last evaluated 2025-06-23.

Allele frequency attached by ClinVar (database versions not stated): gnomAD exomes 0.00001 and 0.00004; ExAC 0.00008; ESP Exome Variant Server 0.00015; gnomAD 0.00024 and 0.00025; TOPMed 0.00026; 1000 Genomes Project 30x 0.00047; 1000 Genomes Project 0.00060.
gnomAD v4.1: 56 of 1,614,134 alleles (0.0035%); highest among the groups gnomAD compares: African/African-American, 0.072%; no homozygotes.

Submissions (2):

Labcorp Genetics (formerly Invitae), Labcorp
Classification: Uncertain significance. Last evaluated: 2025-06-23. Review status: criteria provided, single submitter. Criteria: Invitae Variant Classification Sherloc (09022015). Collection method: clinical testing. Allele origin: germline.
Comment: This sequence change replaces aspartic acid, which is acidic and polar, with asparagine, which is neutral and polar, at codon 285 of the MS4A1 protein (p.Asp285Asn). This variant is present in population databases (rs147927720, gnomAD 0.06%), and has an allele count higher than expected for a pathogenic variant. This variant has not been reported in the literature in individuals affected with MS4A1-related conditions. ClinVar contains an entry for this variant (Variation ID: 1359155). An algorithm developed to predict the effect of missense changes on protein structure and function (PolyPhen-2) suggests that this variant is likely to be disruptive. In summary, the available evidence is currently insufficient to determine the role of this variant in disease. Therefore, it has been classified as a Variant of Uncertain Significance.

Ambry Genetics
Classification: Uncertain significance. Last evaluated: 2024-11-11. Review status: criteria provided, single submitter. Criteria: Ambry Variant Classification Scheme 2023. Collection method: clinical testing. Allele origin: germline.